The following is an entry in ClinVar:

ClinVar aggregate classification (germline): Uncertain significance. Review status: criteria provided, multiple submitters, no conflicts (2 of 4 stars). 5 submissions from 5 submitters: Uncertain significance (5). Last evaluated 2024-11-18.

Conditions:
Inborn genetic diseases. Identifiers: MedGen C0950123, MeSH D030342.
Developmental and epileptic encephalopathy, 12 (DEE12). Identifiers: MedGen C3150988, MONDO:0013389, OMIM 613722.
Microcephaly, seizures, and developmental delay. Identifiers: Orphanet 1934, MedGen C3150667, MONDO:0013254, OMIM 613402.

Allele frequency attached by ClinVar (database versions not stated): ESP Exome Variant Server 0.00015; gnomAD 0.00023 and 0.00025; TOPMed 0.00029; gnomAD exomes 0.00003 and 0.00005; ExAC 0.00004.
gnomAD v4.1: 81 of 1,614,018 alleles (0.005%); highest among the groups gnomAD compares: African/African-American, 0.075%; no homozygotes.

Submissions (5):

Labcorp Genetics (formerly Invitae), Labcorp
Classification: Uncertain significance for Developmental and epileptic encephalopathy, 12. Last evaluated: 2024-11-18. Review status: criteria provided, single submitter. Criteria: Invitae Variant Classification Sherloc (09022015). Collection method: clinical testing. Allele origin: germline.
Comment: This sequence change replaces arginine, which is basic and polar, with histidine, which is basic and polar, at codon 224 of the PNKP protein (p.Arg224His). This variant is present in population databases (rs199705876, gnomAD 0.07%). This variant has not been reported in the literature in individuals affected with PNKP-related conditions. ClinVar contains an entry for this variant (Variation ID: 159799). Invitae Evidence Modeling of protein sequence and biophysical properties (such as structural, functional, and spatial information, amino acid conservation, physicochemical variation, residue mobility, and thermodynamic stability) indicates that this missense variant is not expected to disrupt PNKP protein function with a negative predictive value of 80%. In summary, the available evidence is currently insufficient to determine the role of this variant in disease. Therefore, it has been classified as a Variant of Uncertain Significance.

GeneDx
Classification: Uncertain significance. Last evaluated: 2024-11-12. Review status: criteria provided, single submitter. Criteria: GeneDx Variant Classification Process June 2021. Collection method: clinical testing. Allele origin: germline. Affected: yes.
Comment: In silico analysis supports that this missense variant has a deleterious effect on protein structure/function; Has not been previously published as pathogenic or benign to our knowledge; This variant is associated with the following publications: (PMID: 22508754)

Ambry Genetics
Classification: Uncertain significance for Inborn genetic diseases. Last evaluated: 2023-12-20. Review status: criteria provided, single submitter. Criteria: Ambry Variant Classification Scheme 2023. Collection method: clinical testing. Allele origin: germline.

Blueprint Genetics
Classification: Uncertain significance. Last evaluated: 2023-12-07. Review status: criteria provided, single submitter. Criteria: ACMG Guidelines, 2015. Collection method: clinical testing. Allele origin: germline.

Genetic Services Laboratory, University of Chicago
Classification: Uncertain significance for Epileptic encephalopathy, early infantile, 10. Last evaluated: 2014-01-27. Review status: criteria provided, single submitter. Criteria: ACMG Guidelines, 2007. Collection method: clinical testing. Allele origin: germline. Inheritance: Autosomal recessive inheritance.

NM_007254.4(PNKP):c.671G>A (p.Arg224His)

Gene: PNKP (polynucleotide kinase 3'-phosphatase; minus strand). Cytogenetic location: 19q13.33.
Variant type: single nucleotide variant.
Coding change: c.671G>A on transcript NM_007254.4 (MANE Select); coding-DNA position 671, G replaced by A.
Protein change: p.Arg224His; replaces arginine 224 with histidine.
Molecular consequence: missense variant.
Genome position (GRCh38, 1-based): chr19:49,864,037, C>T on the plus strand (G>A on the coding strand, the complement: PNKP is on the minus strand). VCF-style: chr19-49864037-C-T. GRCh37 (hg19) VCF-style: chr19-50367294-C-T.
Other names: p.R224H:CGC>CAC; short protein forms R224H.
Identifiers: ClinVar variation 159799 (VCV000159799.19), dbSNP rs199705876, ClinGen allele CA251160.